The following is an entry in ClinVar:

ClinVar aggregate classification (germline): Benign/Likely benign. Review status: criteria provided, multiple submitters, no conflicts (2 of 4 stars). 13 submissions from 13 submitters: Benign (10); Likely benign (1). 2 of the submissions do not count toward it. Last evaluated 2026-02-04.

Conditions:
Inborn genetic diseases. Identifiers: MedGen C0950123, MeSH D030342.
Hereditary angioedema type 1 (HAE1). Identifiers: Orphanet 100050, Orphanet 100051, Orphanet 91378, MedGen C2717906, MONDO:0015053, OMIM 106100.

Allele frequency attached by ClinVar (database versions not stated): 1000 Genomes Project 0.14956; 1000 Genomes Project 30x 0.15194; TOPMed 0.19619; gnomAD 0.21153 and 0.21304; ESP Exome Variant Server 0.22172; gnomAD exomes 0.22195 and 0.25339; ExAC 0.22312.

Submissions (13):

Labcorp Genetics (formerly Invitae), Labcorp
Classification: Benign. Last evaluated: 2026-02-04. Review status: criteria provided, single submitter. Criteria: Invitae Variant Classification Sherloc (09022015). Collection method: clinical testing. Allele origin: germline.

Women's Health and Genetics/Laboratory Corporation of America, LabCorp
Classification: Likely benign. Last evaluated: 2026-01-21. Review status: criteria provided, single submitter. Criteria: LabCorp Variant Classification Summary - May 2015. Collection method: clinical testing. Allele origin: germline.

Blueprint Genetics
Classification: Benign. Last evaluated: 2024-11-27. Review status: criteria provided, single submitter. Criteria: ACMG Guidelines, 2015. Collection method: clinical testing. Allele origin: germline.

Genome-Nilou Lab
Classification: Benign for Hereditary angioedema type 1. Last evaluated: 2021-07-15. Review status: criteria provided, single submitter. Criteria: ACMG Guidelines, 2015. Collection method: clinical testing. Allele origin: germline. Affected: no.

Illumina Laboratory Services, Illumina
Classification: Benign for Hereditary angioedema type 1. Last evaluated: 2018-01-12. Review status: criteria provided, single submitter. Criteria: ICSL Variant Classification Criteria 13 December 2019. Collection method: clinical testing. Allele origin: germline.
Comment: This variant was observed in the ICSL laboratory as part of a predisposition screen in an ostensibly healthy population. It had not been previously curated by ICSL or reported in the Human Gene Mutation Database (HGMD: prior to June 1st, 2018), and was therefore a candidate for classification through an automated scoring system. Utilizing variant allele frequency, disease prevalence and penetrance estimates, and inheritance mode, an automated score was calculated to assess if this variant is too frequent to cause the disease. Based on the score and internal cut-off values, a variant classified as benign is not then subjected to further curation. The score for this variant resulted in a classification of benign for this disease.

Ambry Genetics
Classification: Benign for Inborn genetic diseases. Last evaluated: 2016-09-20. Review status: criteria provided, single submitter. Criteria: Ambry Variant Classification Scheme 2023. Collection method: clinical testing. Allele origin: germline.

Laboratory for Molecular Medicine, Mass General Brigham Personalized Medicine
Classification: Benign. Last evaluated: 2016-03-28. Review status: criteria provided, single submitter. Criteria: LMM Criteria. Collection method: clinical testing. Allele origin: germline.
Comment: Variant identified in a genome or exome case(s) and assessed due to predicted null impact of the variant or pathogenic assertions in the literature or databases. Disclaimer: This variant has not undergone full assessment. The following are preliminary notes: Frequency

GeneDx
Classification: Benign. Last evaluated: 2015-03-03. Review status: criteria provided, single submitter. Criteria: GeneDx Variant Classification Process June 2021. Collection method: clinical testing. Allele origin: germline. Affected: yes.

Genome Diagnostics Laboratory, University Medical Center Utrecht
Classification: Benign for Hereditary angioedema type 1. Last evaluated: 2014-10-09. Review status: criteria provided, single submitter. Criteria: ACGS Guidelines, 2013. Collection method: clinical testing. Allele origin: germline. Affected: yes. Study: VKGL Data-share Consensus.

Breakthrough Genomics
Classification: Benign. Review status: criteria provided, single submitter. Criteria: ACMG Guidelines, 2015. Collection method: not provided. Allele origin: germline. Inheritance: Autosomal recessive inheritance. Affected: yes.

PreventionGenetics, part of Exact Sciences
Classification: Benign. Review status: criteria provided, single submitter. Criteria: ACMG Guidelines, 2015. Collection method: clinical testing. Allele origin: germline.

Diagnostic Laboratory, Department of Genetics, University Medical Center Groningen
Classification: Benign for Hereditary angioedema type 1. Review status: no assertion criteria provided. Collection method: clinical testing. Allele origin: germline. Affected: yes. Study: VKGL Data-share Consensus. Not counted in ClinVar's aggregate classification.

Joint Genome Diagnostic Labs from Nijmegen and Maastricht, Radboudumc and MUMC+
Classification: Benign. Review status: no assertion criteria provided. Collection method: clinical testing. Allele origin: germline. Affected: yes. Study: VKGL Data-share Consensus. Not counted in ClinVar's aggregate classification.

NM_000062.3(SERPING1):c.1438G>A (p.Val480Met)

Gene: SERPING1 (serpin family G member 1; plus strand). Cytogenetic location: 11q12.1.
Variant type: single nucleotide variant.
Coding change: c.1438G>A on transcript NM_000062.3 (MANE Select); coding-DNA position 1438, G replaced by A.
Protein change: p.Val480Met; replaces valine 480 with methionine.
Molecular consequence: missense variant.
Genome position (GRCh38, 1-based): chr11:57,614,516, G>A. VCF-style: chr11-57614516-G-A. GRCh37 (hg19) VCF-style: chr11-57381989-G-A.
Other names: c.1438G>A, p.Val480Met (NM_001032295.2); short protein forms V480M.
Identifiers: ClinVar variation 254786 (VCV000254786.30), dbSNP rs4926, ClinGen allele CA6008293.